The following is an entry in ClinVar:

NM_001034853.2(RPGR):c.2245del (p.Glu749fs)

Gene: RPGR (retinitis pigmentosa GTPase regulator; minus strand). Cytogenetic location: Xp11.4.
Variant type: Deletion.
Coding change: c.2245del on transcript NM_001034853.2 (MANE Select); coding-DNA position 2245, one base deleted (G; older notation c.2245delG).
Protein change: p.Glu749fs; shifts the reading frame from glutamic acid 749.
Molecular consequence: frameshift variant. On other transcripts: intron variant (8).
Genome position (GRCh38, 1-based): chrX:38,286,754, C deleted on the plus strand (G on the coding strand, the reverse complement: RPGR is on the minus strand). VCF-style (leftmost placement, unchanged base first): chrX-38286753-TC-T. GRCh37 (hg19) VCF-style: chrX-38146006-TC-T.
Other names: c.1569+4205del (NM_001367249.1, NM_001367250.1); c.1902+340del (NM_001367245.1); c.1386+4205del (NM_001367251.1); c.1719+340del (NM_001367246.1); c.1572+4205del (NM_001367247.1); c.1905+340del (NM_000328.3); c.1602+4205del (NM_001367248.1); short protein forms E749fs.
Identifiers: ClinVar variation 2705155 (VCV002705155.3), dbSNP rs2519792649, ClinGen allele CA2697553050.

ClinVar aggregate classification (germline): Pathogenic (1 of 4 stars; one submission).

Conditions:
Primary ciliary dyskinesia. Also called: Ciliary dyskinesia. Identifiers: Orphanet 244, MedGen C0008780, MONDO:0016575, HP:0012265.

Submission:

Labcorp Genetics (formerly Invitae), Labcorp
Classification: Pathogenic for Primary ciliary dyskinesia. Last evaluated: 2023-12-23. Review status: criteria provided, single submitter. Criteria: Invitae Variant Classification Sherloc (09022015). Collection method: clinical testing. Allele origin: germline.
Comment: This sequence change creates a premature translational stop signal (p.Glu749Lysfs*66) in the RPGR (ORF15) gene. While this is not anticipated to result in nonsense mediated decay, it is expected to disrupt the last 404 amino acid(s) of the RPGR (ORF15) protein. This variant is not present in population databases (gnomAD no frequency). This variant has not been reported in the literature in individuals affected with RPGR (ORF15)-related conditions. This variant disrupts a region of the RPGR (ORF15) protein in which other variant(s) (p.Leu1130Lysfs*13) have been determined to be pathogenic (PMID: 22264887; Invitae). This suggests that this is a clinically significant region of the protein, and that variants that disrupt it are likely to be disease-causing. For these reasons, this variant has been classified as Pathogenic.

Literature cited by the submitters: PubMed 22264887.